The following is an entry in ClinVar:

NM_213655.5(WNK1):c.2359del (p.Arg787fs)

Gene: WNK1 (WNK lysine deficient protein kinase 1; plus strand). Cytogenetic location: 12p13.33.
Variant type: Deletion.
Coding change: c.2359del on transcript NM_213655.5 (MANE Plus Clinical); coding-DNA position 2359, one base deleted (C; older notation c.2359delC).
Protein change: p.Arg787fs; shifts the reading frame from arginine 787.
Molecular consequence: frameshift variant. On other transcripts: intron variant (3).
Genome position (GRCh38, 1-based): chr12:865,329, C deleted; the last of 2 consecutive C bases (chr12:865,328-865,329); deleting either gives the same sequence. VCF-style (leftmost placement, unchanged base first): chr12-865327-AC-A. GRCh37 (hg19) VCF-style: chr12-974493-AC-A.
Other names: c.2140-2537del (NM_001184985.2); c.2139+3059del (NM_018979.4, NM_014823.3); short protein forms R787fs.
Identifiers: ClinVar variation 2938676 (VCV002938676.3), dbSNP rs2548727525, ClinGen allele CA2740092294.
Genomic context (GRCh38, chr12:865,327, plus strand): 5'-AAAAGCTTTCTAAAGCATTGGAGAGTGTCCTGCCTATGCACTCTGCCTCTCAGCGCAAGC[AC>A]CGACGCTCCAGCCTGCCTTCCCTCTTTGTCAGTACTGTATGTAACTGTAAACTTCTGACA-3'

ClinVar aggregate classification (germline): Uncertain significance (1 of 4 stars; one submission).

Conditions:
Neuropathy, hereditary sensory and autonomic, type 2A (HSAN2A). Also called: ACROOSTEOLYSIS, GIACCAI TYPE; ACROOSTEOLYSIS, NEUROGENIC; MORVAN DISEASE; NEUROPATHY, CONGENITAL SENSORY; NEUROPATHY, HEREDITARY SENSORY RADICULAR, AUTOSOMAL RECESSIVE; NEUROPATHY, HEREDITARY SENSORY, TYPE IIA. Identifiers: Orphanet 970, MedGen C2752089, MONDO:0024309, OMIM 201300.
Pseudohypoaldosteronism type 2C (PHA2C). Also called: Pseudohypoaldosteronism Type IIC. Identifiers: Orphanet 757, Orphanet 88940, MedGen C1840391, MONDO:0013778, OMIM 614492.

Submission:

Labcorp Genetics (formerly Invitae), Labcorp
Classification: Uncertain significance for Neuropathy, hereditary sensory and autonomic, type 2A; Pseudohypoaldosteronism type 2C. Last evaluated: 2023-10-17. Review status: criteria provided, single submitter. Criteria: Invitae Variant Classification Sherloc (09022015). Collection method: clinical testing. Allele origin: germline.
Comment: This sequence change creates a premature translational stop signal (p.Arg787Aspfs*53) in the WNK1 gene. However, it is currently unclear if variants that occur in this region of the gene cause disease. This variant is not present in population databases (gnomAD no frequency). This variant has not been reported in the literature in individuals affected with WNK1-related conditions. In summary, the available evidence is currently insufficient to determine the role of this variant in disease. Therefore, it has been classified as a Variant of Uncertain Significance.